The following is an entry in ClinVar:

ClinVar aggregate classification (germline): Uncertain significance. Review status: criteria provided, multiple submitters, no conflicts (2 of 4 stars). 2 submissions from 2 submitters: Uncertain significance (2). Last evaluated 2025-05-06.

Conditions:
Tumor predisposition syndrome 3 (TPDS3). Also called: Melanoma, cutaneous malignant, susceptibility to, 10; Glioma susceptibility 9; LONG TELOMERE SYNDROME, POT1-RELATED; POT1 Tumor Predisposition. Identifiers: Orphanet 618, MedGen C4014476, MONDO:0014368, OMIM 615848.
Hereditary cancer-predisposing syndrome. Also called: Hereditary neoplastic syndrome; Neoplastic Syndromes, Hereditary; Hereditary Cancer Syndrome; Tumor predisposition. Identifiers: Orphanet 140162, MedGen C0027672, MeSH D009386, MONDO:0015356.

Submissions (2):

Ambry Genetics
Classification: Uncertain significance for Hereditary cancer-predisposing syndrome. Last evaluated: 2025-05-06. Review status: criteria provided, single submitter. Criteria: Ambry Variant Classification Scheme 2023. Collection method: clinical testing. Allele origin: germline.
Comment: The p.T269N variant (also known as c.806C>A), located in coding exon 6 of the POT1 gene, results from a C to A substitution at nucleotide position 806. The threonine at codon 269 is replaced by asparagine, an amino acid with similar properties. This amino acid position is highly conserved in available vertebrate species. In addition, this alteration is predicted to be tolerated by in silico analysis. Based on the available evidence, the clinical significance of this variant remains unclear.

Labcorp Genetics (formerly Invitae), Labcorp
Classification: Uncertain significance for Tumor predisposition syndrome 3. Last evaluated: 2025-02-24. Review status: criteria provided, single submitter. Criteria: Invitae Variant Classification Sherloc (09022015). Collection method: clinical testing. Allele origin: germline.
Comment: This sequence change replaces threonine, which is neutral and polar, with asparagine, which is neutral and polar, at codon 269 of the POT1 protein (p.Thr269Asn). This variant is not present in population databases (gnomAD no frequency). This variant has not been reported in the literature in individuals affected with POT1-related conditions. Invitae Evidence Modeling of protein sequence and biophysical properties (such as structural, functional, and spatial information, amino acid conservation, physicochemical variation, residue mobility, and thermodynamic stability) indicates that this missense variant is not expected to disrupt POT1 protein function with a negative predictive value of 80%. In summary, the available evidence is currently insufficient to determine the role of this variant in disease. Therefore, it has been classified as a Variant of Uncertain Significance.

NM_015450.3(POT1):c.806C>A (p.Thr269Asn)

Gene: POT1 (protection of telomeres 1; minus strand). Cytogenetic location: 7q31.33.
Variant type: single nucleotide variant.
Coding change: c.806C>A on transcript NM_015450.3 (MANE Select); coding-DNA position 806, C replaced by A.
Protein change: p.Thr269Asn; replaces threonine 269 with asparagine.
Molecular consequence: missense variant. On other transcripts: non-coding transcript variant (3).
Genome position (GRCh38, 1-based): chr7:124,853,035, G>T on the plus strand (C>A on the coding strand, the complement: POT1 is on the minus strand). VCF-style: chr7-124853035-G-T. GRCh37 (hg19) VCF-style: chr7-124493089-G-T.
Other names: c.413C>A, p.Thr138Asn (NM_001042594.2); short protein forms T138N, T269N.
Identifiers: ClinVar variation 3936286 (VCV003936286.2).